The following is an entry in ClinVar:

ClinVar aggregate classification (germline): Uncertain significance (1 of 4 stars; one submission).

Conditions:
Hypokalemic periodic paralysis, type 1. Also called: Hypokalemic Periodic Paralysis Type 1 (AD); HypoPP. Identifiers: Orphanet 681, MedGen C3714580, MONDO:0042979, OMIM 170400.
Malignant hyperthermia, susceptibility to, 5 (MHS5). Also called: CACNA1S-Related Malignant Hyperthermia Susceptibility. Identifiers: Orphanet 423, MedGen C1866077, MONDO:0011163, OMIM 601887.

Submission:

Labcorp Genetics (formerly Invitae), Labcorp
Classification: Uncertain significance for Hypokalemic periodic paralysis, type 1; Malignant hyperthermia, susceptibility to, 5. Last evaluated: 2026-01-12. Review status: criteria provided, single submitter. Criteria: Invitae Variant Classification Sherloc (09022015). Collection method: clinical testing. Allele origin: germline.
Comment: This sequence change affects codon 1318 of the CACNA1S mRNA. It is a 'silent' change, meaning that it does not change the encoded amino acid sequence of the CACNA1S protein. It affects a nucleotide within the consensus splice site. This variant is not present in population databases (gnomAD no frequency). This variant has not been reported in the literature in individuals affected with CACNA1S-related conditions. ClinVar contains an entry for this variant (Variation ID: 2018219). Algorithms developed to predict the effect of sequence changes on RNA splicing suggest that this variant is not likely to affect RNA splicing. In summary, the available evidence is currently insufficient to determine the role of this variant in disease. Therefore, it has been classified as a Variant of Uncertain Significance.

NM_000069.3(CACNA1S):c.3954G>A (p.Arg1318=)

Gene: CACNA1S (calcium voltage-gated channel subunit alpha1 S; minus strand). Cytogenetic location: 1q32.1.
Variant type: single nucleotide variant.
Coding change: c.3954G>A on transcript NM_000069.3 (MANE Select); coding-DNA position 3954, G replaced by A.
Protein change: p.Arg1318=; no amino-acid change (arginine 1318 retained).
Molecular consequence: synonymous variant.
Genome position (GRCh38, 1-based): chr1:201,051,143, C>T on the plus strand (G>A on the coding strand, the complement: CACNA1S is on the minus strand). VCF-style: chr1-201051143-C-T. GRCh37 (hg19) VCF-style: chr1-201020271-C-T.
Identifiers: ClinVar variation 2018219 (VCV002018219.4), dbSNP rs1558056548, ClinGen allele CA422719337.